The following is an entry in ClinVar:

ClinVar aggregate classification (germline): Uncertain significance (1 of 4 stars; one submission).

Conditions:
Familial thoracic aortic aneurysm and aortic dissection (TAAD). Also called: Thoracic aortic aneurysms and dissections. Identifiers: Orphanet 91387, MedGen C4707243, MONDO:0019625.

Allele frequency attached by ClinVar (database versions not stated): TOPMed below 0.00001.
gnomAD v4.1: 23 of 1,613,998 alleles (0.0014%); highest among the groups gnomAD compares: East Asian, 0.033%; no homozygotes.

Submission:

Ambry Genetics
Classification: Uncertain significance for Familial thoracic aortic aneurysm and aortic dissection. Last evaluated: 2023-03-18. Review status: criteria provided, single submitter. Criteria: Ambry Variant Classification Scheme 2023. Collection method: clinical testing. Allele origin: germline.
Comment: The p.R319Q variant (also known as c.956G>A), located in coding exon 9 of the PLOD1 gene, results from a G to A substitution at nucleotide position 956. The arginine at codon 319 is replaced by glutamine, an amino acid with highly similar properties. This amino acid position is conserved. In addition, this alteration is predicted to be tolerated by in silico analysis. Since supporting evidence is limited at this time, the clinical significance of this alteration remains unclear.

NM_000302.4(PLOD1):c.956G>A (p.Arg319Gln)

Gene: PLOD1 (procollagen-lysine,2-oxoglutarate 5-dioxygenase 1; plus strand). Cytogenetic location: 1p36.22.
Variant type: single nucleotide variant.
Coding change: c.956G>A on transcript NM_000302.4 (MANE Select); coding-DNA position 956, G replaced by A.
Protein change: p.Arg319Gln; replaces arginine 319 with glutamine.
Molecular consequence: missense variant.
Genome position (GRCh38, 1-based): chr1:11,958,628, G>A. VCF-style: chr1-11958628-G-A. GRCh37 (hg19) VCF-style: chr1-12018685-G-A.
Other names: c.1097G>A, p.Arg366Gln (NM_001316320.2); short protein forms R319Q, R366Q.
Identifiers: ClinVar variation 2562005 (VCV002562005.2), dbSNP rs749535965, ClinGen allele CA598205.
Genomic context (GRCh38, chr1:11,958,628, plus strand): 5'-CGTTTGTGTCCCTGTTCTTCCAGCGGCTCCTGCGGCTCCACTACCCCCAGAAACACATGC[G>A]ACTTTTCATCCACAACCACGTGAGTAACAGGCGCTCTGTGGGGTCGTCATGTGGCTTAGA-3'
Protein context (NP_000293.2, residues 309-329): LRLHYPQKHM[Arg319Gln]LFIHNHEQHH